The following is an entry in ClinVar:

ClinVar aggregate classification (germline): Uncertain significance (1 of 4 stars; one submission).

Submission:

Labcorp Genetics (formerly Invitae), Labcorp
Classification: Uncertain significance. Last evaluated: 2022-07-06. Review status: criteria provided, single submitter. Criteria: Invitae Variant Classification Sherloc (09022015). Collection method: clinical testing. Allele origin: germline.
Comment: This variant has not been reported in the literature in individuals affected with C2CD3-related conditions. In summary, the available evidence is currently insufficient to determine the role of this variant in disease. Therefore, it has been classified as a Variant of Uncertain Significance. Algorithms developed to predict the effect of sequence changes on RNA splicing suggest that this variant may create or strengthen a splice site. This variant is not present in population databases (gnomAD no frequency). This sequence change falls in intron 6 of the C2CD3 gene. It does not directly change the encoded amino acid sequence of the C2CD3 protein.

NM_001286577.2(C2CD3):c.1089-10C>G

Gene: C2CD3 (C2 domain containing 3 centriole elongation regulator; minus strand). Cytogenetic location: 11q13.4.
Variant type: single nucleotide variant.
Coding change: c.1089-10C>G on transcript NM_001286577.2 (MANE Select); 10 bases into the intron before coding-DNA position 1089, C replaced by G.
Molecular consequence: intron variant.
Genome position (GRCh38, 1-based): chr11:74,132,982, G>C on the plus strand (C>G on the coding strand, the complement: C2CD3 is on the minus strand). VCF-style: chr11-74132982-G-C. GRCh37 (hg19) VCF-style: chr11-73844027-G-C.
Other names: c.1089-10C>G (NM_015531.6).
Identifiers: ClinVar variation 2014630 (VCV002014630.4), dbSNP rs2496577356, ClinGen allele CA2580084880.
Genomic context (GRCh38, chr11:74,132,982, plus strand): 5'-AGGTGATCTTCAATGTGGTCTTTAAACCGATTCCTAGAAAAGGCTCTGATCCTAAGGTGT[G>C]GAAAAATACTTTCTCACTGAGTGGCTAACAGATGGAAAAAATCTAAATCATAATCACTTC-3'